The following is an entry in ClinVar:

ClinVar aggregate classification (germline): Conflicting classifications of pathogenicity. Review status: criteria provided, conflicting classifications (1 of 4 stars). 2 submissions from 2 submitters: Uncertain significance (1); Likely benign (1). Last evaluated 2025-07-14.

Conditions:
Charcot-Marie-Tooth disease type 2. Also called: Charcot-Marie-Tooth type 2. Identifiers: Orphanet 64746, MedGen C0270914, MONDO:0018993.

Allele frequency attached by ClinVar (database versions not stated): gnomAD exomes below 0.00001.
gnomAD v4.1: 5 of 1,599,740 alleles (0.00031%); highest among the groups gnomAD compares: Non-Finnish European, 0.00034%; no homozygotes.

Submissions (2):

Labcorp Genetics (formerly Invitae), Labcorp
Classification: Uncertain significance for Charcot-Marie-Tooth disease type 2. Last evaluated: 2025-07-14. Review status: criteria provided, single submitter. Criteria: Invitae Variant Classification Sherloc (09022015). Collection method: clinical testing. Allele origin: germline.
Comment: This sequence change affects codon 35 of the KIF1B mRNA. It is a 'silent' change, meaning that it does not change the encoded amino acid sequence of the KIF1B protein. It affects a nucleotide within the consensus splice site. This variant is not present in population databases (gnomAD no frequency). This variant has not been reported in the literature in individuals affected with KIF1B-related conditions. ClinVar contains an entry for this variant (Variation ID: 2448129). Algorithms developed to predict the effect of sequence changes on RNA splicing suggest that this variant is not likely to affect RNA splicing. In summary, the available evidence is currently insufficient to determine the role of this variant in disease. Therefore, it has been classified as a Variant of Uncertain Significance.

Ambry Genetics
Classification: Likely benign. Last evaluated: 2022-12-14. Review status: criteria provided, single submitter. Criteria: Ambry Variant Classification Scheme 2023. Collection method: clinical testing. Allele origin: germline.

NM_001365951.3(KIF1B):c.105C>T (p.Thr35=)

Genes: KIF1B (kinesin family member 1B; plus strand), LOC129388446 (MPRA-validated peak64 silencer; plus strand). Cytogenetic location: 1p36.22.
Variant type: single nucleotide variant.
Coding change: c.105C>T on transcript NM_001365951.3 (MANE Select); coding-DNA position 105, C replaced by T.
Protein change: p.Thr35=; no amino-acid change (threonine 35 retained).
Molecular consequence: synonymous variant.
Genome position (GRCh38, 1-based): chr1:10,232,433, C>T. VCF-style: chr1-10232433-C-T. GRCh37 (hg19) VCF-style: chr1-10292491-C-T.
Other names: c.105C>T, p.Thr35= (NM_001365952.1, NM_001365953.1, NM_015074.3 and 1 more transcripts).
Identifiers: ClinVar variation 2448129 (VCV002448129.4), dbSNP rs2523353154, ClinGen allele CA415878598.